The following is an entry in ClinVar:

ClinVar aggregate classification (germline): Conflicting classifications of pathogenicity. Review status: criteria provided, conflicting classifications (1 of 4 stars). 9 submissions from 9 submitters: Uncertain significance (3); Likely benign (5). 1 of the submissions does not count toward it. Last evaluated 2026-01-22.

Conditions:
Diabetic retinopathy. Identifiers: MedGen C0011884, MONDO:0005266.
Loeys-Dietz syndrome 2 (LDS2). Also called: TGFBR2-Related Loeys-Dietz Syndrome; AORTIC ANEURYSM, FAMILIAL THORACIC 3; MARFAN SYNDROME, TYPE II; Marfan Syndrome type 2; Marfan like connective tissue disorder; MFS 2. Identifiers: Orphanet 284973, Orphanet 558, MedGen C2674574, MONDO:0012427, OMIM 610168.
Familial thoracic aortic aneurysm and aortic dissection (TAAD). Also called: Thoracic aortic aneurysms and dissections. Identifiers: Orphanet 91387, MedGen C4707243, MONDO:0019625.

Allele frequency attached by ClinVar (database versions not stated): gnomAD exomes 0.00005; gnomAD 0.00021; ExAC 0.00026; TOPMed 0.00028; 1000 Genomes Project 30x 0.00062; 1000 Genomes Project 0.00080.
gnomAD v4.1: 59 of 1,560,118 alleles (0.0038%); highest among the groups gnomAD compares: African/African-American, 0.075%; no homozygotes.

Submissions (9):

Labcorp Genetics (formerly Invitae), Labcorp
Classification: Likely benign for Familial thoracic aortic aneurysm and aortic dissection. Last evaluated: 2026-01-22. Review status: criteria provided, single submitter. Criteria: Invitae Variant Classification Sherloc (09022015). Collection method: clinical testing. Allele origin: germline.

GeneDx
Classification: Uncertain significance. Last evaluated: 2026-01-13. Review status: criteria provided, single submitter. Criteria: GeneDx Variant Classification Process June 2021. Collection method: clinical testing. Allele origin: germline. Affected: yes.
Comment: Identified in a patient with features of a connective tissue disorder who harbored several other cardiogenetic variants (PMID: 35918752); In silico analysis suggests that this missense variant does not alter protein structure/function; This variant is associated with the following publications: (PMID: 35918752, 35903967)

Ambry Genetics
Classification: Uncertain significance for Familial thoracic aortic aneurysm and aortic dissection. Last evaluated: 2025-08-07. Review status: criteria provided, single submitter. Criteria: Ambry Variant Classification Scheme 2023. Collection method: clinical testing. Allele origin: germline.

Mayo Clinic Laboratories, Mayo Clinic
Classification: Uncertain significance. Last evaluated: 2025-06-11. Review status: criteria provided, single submitter. Criteria: ACMG Guidelines, 2015. Collection method: clinical testing. Allele origin: germline. Observed: 1 variant allele.
Comment: BS1

All of Us Research Program, National Institutes of Health
Classification: Likely benign for Loeys-Dietz syndrome 2. Last evaluated: 2024-09-23. Review status: criteria provided, single submitter. Criteria: ACMG Guidelines, 2015. Collection method: clinical testing. Allele origin: germline. Inheritance: Autosomal dominant inheritance. Observed: 16 variant alleles, 16 heterozygotes.
Comment: This study involves interpretation of variants in research participants for the purpose of population health screening. Participant phenotype was not available at the time of variant classification. Additional details can be found in publication PMID: 35346344, PMCID: PMC8962531

Blueprint Genetics
Classification: Likely benign. Last evaluated: 2022-09-21. Review status: criteria provided, single submitter. Criteria: ACMG Guidelines, 2015. Collection method: clinical testing. Allele origin: germline.

Women's Health and Genetics/Laboratory Corporation of America, LabCorp
Classification: Likely benign. Last evaluated: 2021-05-24. Review status: criteria provided, single submitter. Criteria: LabCorp Variant Classification Summary - May 2015. Collection method: clinical testing. Allele origin: germline.
Comment: Variant summary: TGFBR2 c.4G>T (p.Gly2Cys) results in a non-conservative amino acid change in the encoded protein sequence. Four of five in-silico tools predict a damaging effect of the variant on protein function. The variant allele was found at a frequency of 5.9e-05 in 219764 control chromosomes, predominantly at a frequency of 0.00064 within the African or African-American subpopulation in the gnomAD database. The observed variant frequency within African or African-American control individuals in the gnomAD database is approximately 205 fold of the estimated maximal expected allele frequency for a pathogenic variant in TGFBR2 causing Loeys-Dietz Syndrome phenotype (3.1e-06), strongly suggesting that the variant is a benign polymorphism found primarily in populations of African or African-American origin. To our knowledge, no occurrence of c.4G>T in individuals affected with Loeys-Dietz Syndrome and no experimental evidence demonstrating its impact on protein function have been reported. Two ClinVar submitters (evaluation after 2014) cite the variant as uncertain significance. Based on the evidence outlined above, the variant was classified as likely benign.

Color Diagnostics, LLC DBA Color Health
Classification: Likely benign for Familial thoracic aortic aneurysm and aortic dissection. Last evaluated: 2020-07-22. Review status: criteria provided, single submitter. Criteria: ACMG Guidelines, 2015. Collection method: clinical testing. Allele origin: germline.

Clinical Genomics, Uppaluri K&H Personalized Medicine Clinic
Classification: Likely risk allele for Diabetic retinopathy. Review status: flagged submission. Criteria: K And H Uppaluri Personalized Medicine Clinic Variant Classification And Assertion Criteria Updated V 2. Collection method: research. Allele origin: unknown. Not counted in ClinVar's aggregate classification.
Comment: Potent mutations in TGFBR2 gene encodes the transforming growth factor that have been associated with angiogenesis and diabetic retinopathy. More clinical studies are needed for stronger association. However, more evidence is required to confer the association of this particular variant rs565502802 with diabetic retinopathy.
ClinVar note: Notes: Claim provides no variant-specific evidence supporting pathogenicity, and just reports the gene-disease association.
ClinVar note: Reason: Outlier claim with insufficient supporting evidence

Literature cited by the submitters: PubMed 30222965 (cited by Clinical Genomics, Uppaluri K&H Personalized Medicine Clinic); PubMed 28162229 (cited by Clinical Genomics, Uppaluri K&H Personalized Medicine Clinic); PubMed 34572573 (cited by Clinical Genomics, Uppaluri K&H Personalized Medicine Clinic).

NM_003242.6(TGFBR2):c.4G>T (p.Gly2Cys)

Gene: TGFBR2 (transforming growth factor beta receptor 2; plus strand). Cytogenetic location: 3p24.1.
Variant type: single nucleotide variant.
Coding change: c.4G>T on transcript NM_003242.6 (MANE Select); coding-DNA position 4, G replaced by T.
Protein change: p.Gly2Cys; replaces glycine 2 with cysteine.
Molecular consequence: missense variant.
Genome position (GRCh38, 1-based): chr3:30,606,887, G>T. VCF-style: chr3-30606887-G-T. GRCh37 (hg19) VCF-style: chr3-30648379-G-T.
Other names: p.Gly2Cys; c.4G>T, p.Gly2Cys (NM_001407127.1, NM_001407130.1, NM_001407137.1 and 4 more transcripts); c.-280G>T (NM_001407133.1); c.-158G>T (NM_001407134.1); c.-205G>T (NM_001407135.1); c.-290G>T (NM_001407136.1); short protein forms G2C.
Identifiers: ClinVar variation 239531 (VCV000239531.25), dbSNP rs565502802, ClinGen allele CA049102.
Genomic context (GRCh38, chr3:30,606,887, plus strand): 5'-GGAAGGCGCCGTCCGCTGCGCTGGGGGCTCGGTCTATGACGAGCAGCGGGGTCTGCCATG[G>T]GTCGGGGGCTGCTCAGGGGCCTGTGGCCGCTGCACATCGTCCTGTGGACGCGTATCGCCA-3'
Protein context (NP_003233.4, residues 1-12): M[Gly2Cys]RGLLRGLWPL